The following is an entry in ClinVar:

NM_025137.4(SPG11):c.5263C>T (p.Gln1755Ter)

Genes: SPG11 (SPG11 vesicle trafficking associated, spatacsin; minus strand), LOC130056971 (ATAC-STARR-seq lymphoblastoid silent region 6398; plus strand). Cytogenetic location: 15q21.1.
Variant type: single nucleotide variant.
Coding change: c.5263C>T on transcript NM_025137.4 (MANE Select); coding-DNA position 5263, C replaced by T.
Protein change: p.Gln1755Ter; replaces glutamine 1755 with a stop codon.
Molecular consequence: nonsense. On other transcripts: intron variant (1).
Genome position (GRCh38, 1-based): chr15:44,584,417, G>A on the plus strand (C>T on the coding strand, the complement: SPG11 is on the minus strand). VCF-style: chr15-44584417-G-A. GRCh37 (hg19) VCF-style: chr15-44876615-G-A.
Other names: c.5263C>T, p.Gln1755Ter (NM_001160227.2); c.5122-3C>T (NM_001411132.1); short protein forms Q1755*.
Identifiers: ClinVar variation 2723836 (VCV002723836.3), dbSNP rs994177395, ClinGen allele CA270080357.

ClinVar aggregate classification (germline): Pathogenic (1 of 4 stars; one submission).

Conditions:
Hereditary spastic paraplegia 11. Also called: Spastic Paraplegia 11; Spastic paraplegia, mental retardation and thin corpus callosum; Autosomal recessive hereditary spastic paraplegia, mental impairment, and thin corpus callosum; Nakamura Osame syndrome; SPASTIC PARAPLEGIA, AUTOSOMAL RECESSIVE, COMPLICATED, WITH THIN CORPUS CALLOSUM; SPASTIC PARAPLEGIA, AUTOSOMAL RECESSIVE, WITH MENTAL IMPAIRMENT AND THIN CORPUS CALLOSUM. Identifiers: Orphanet 2822, MedGen C1858479, MONDO:0011445, OMIM 604360.

Allele frequency attached by ClinVar (database versions not stated): TOPMed 0.00001.

Submission:

Labcorp Genetics (formerly Invitae), Labcorp
Classification: Pathogenic for Hereditary spastic paraplegia 11. Last evaluated: 2023-11-24. Review status: criteria provided, single submitter. Criteria: Invitae Variant Classification Sherloc (09022015). Collection method: clinical testing. Allele origin: germline.
Comment: This sequence change creates a premature translational stop signal (p.Gln1755*) in the SPG11 gene. It is expected to result in an absent or disrupted protein product. Loss-of-function variants in SPG11 are known to be pathogenic (PMID: 19105190, 20110243, 22154821, 26556829). This variant is not present in population databases (gnomAD no frequency). This variant has not been reported in the literature in individuals affected with SPG11-related conditions. Algorithms developed to predict the effect of sequence changes on RNA splicing suggest that this variant may disrupt the consensus splice site. For these reasons, this variant has been classified as Pathogenic.

Literature cited by the submitters: PubMed 19105190; PubMed 20110243; PubMed 22154821; PubMed 26556829.